The following is an entry in ClinVar:

ClinVar aggregate classification (germline): Uncertain significance. Review status: criteria provided, multiple submitters, no conflicts (2 of 4 stars). 2 submissions from 2 submitters: Uncertain significance (2). Last evaluated 2026-07-06.

Conditions:
Hereditary cancer-predisposing syndrome. Also called: Neoplastic Syndromes, Hereditary; Hereditary Cancer Syndrome; Tumor predisposition; Hereditary neoplastic syndrome. Identifiers: Orphanet 140162, MedGen C0027672, MeSH D009386, MONDO:0015356.

Submissions (2):

Ambry Genetics
Classification: Uncertain significance for Hereditary cancer-predisposing syndrome. Last evaluated: 2026-07-06. Review status: criteria provided, single submitter. Criteria: Ambry Variant Classification Scheme 2023. Collection method: clinical testing. Allele origin: germline.
Comment: The p.A48S variant (also known as c.142G>T), located in coding exon 2 of the NTHL1 gene, results from a G to T substitution at nucleotide position 142. The alanine at codon 48 is replaced by serine, an amino acid with similar properties. This amino acid position is conserved. In addition, this alteration is predicted to be tolerated by in silico analysis. Based on the available evidence, the clinical significance of this variant remains unclear.

Labcorp Genetics (formerly Invitae), Labcorp
Classification: Uncertain significance. Last evaluated: 2023-12-19. Review status: criteria provided, single submitter. Criteria: Invitae Variant Classification Sherloc (09022015). Collection method: clinical testing. Allele origin: germline.
Comment: This sequence change replaces alanine, which is neutral and non-polar, with serine, which is neutral and polar, at codon 48 of the NTHL1 protein (p.Ala48Ser). This variant is not present in population databases (gnomAD no frequency). This variant has not been reported in the literature in individuals affected with NTHL1-related conditions. ClinVar contains an entry for this variant (Variation ID: 933956). Algorithms developed to predict the effect of missense changes on protein structure and function output the following: SIFT: "Not Available"; PolyPhen-2: "Benign"; Align-GVGD: "Not Available". The serine amino acid residue is found in multiple mammalian species, which suggests that this missense change does not adversely affect protein function. In summary, the available evidence is currently insufficient to determine the role of this variant in disease. Therefore, it has been classified as a Variant of Uncertain Significance.

NM_002528.7(NTHL1):c.118G>T (p.Ala40Ser)

Gene: NTHL1 (nth like DNA glycosylase 1; minus strand). Cytogenetic location: 16p13.3.
Variant type: single nucleotide variant.
Coding change: c.118G>T on transcript NM_002528.7 (MANE Select); coding-DNA position 118, G replaced by T.
Protein change: p.Ala40Ser; replaces alanine 40 with serine.
Molecular consequence: missense variant. On other transcripts: 5 prime UTR variant (1).
Genome position (GRCh38, 1-based): chr16:2,046,364, C>A on the plus strand (G>T on the coding strand, the complement: NTHL1 is on the minus strand). VCF-style: chr16-2046364-C-A. GRCh37 (hg19) VCF-style: chr16-2096365-C-A.
Other names: c.118G>T, p.Ala40Ser (NM_001318193.2); c.-61G>T (NM_001318194.2); c.142G>T (NM_002528.5); short protein forms A40S.
Identifiers: ClinVar variation 933956 (VCV000933956.10), dbSNP rs2084387662, ClinGen allele CA394298103.